The following is an entry in ClinVar:

NM_001287.6(CLCN7):c.1038C>T (p.His346=)

Gene: CLCN7 (Cl-/H+ antiporter 7; minus strand). Cytogenetic location: 16p13.3.
Variant type: single nucleotide variant.
Coding change: c.1038C>T on transcript NM_001287.6 (MANE Select); coding-DNA position 1038, C replaced by T.
Protein change: p.His346=; no amino-acid change (histidine 346 retained).
Molecular consequence: synonymous variant.
Genome position (GRCh38, 1-based): chr16:1,455,194, G>A on the plus strand (C>T on the coding strand, the complement: CLCN7 is on the minus strand). VCF-style: chr16-1455194-G-A. GRCh37 (hg19) VCF-style: chr16-1505195-G-A.
Other names: c.966C>T, p.His322= (NM_001114331.3).
Identifiers: ClinVar variation 887535 (VCV000887535.14), dbSNP rs200937692, ClinGen allele CA7810479.

ClinVar aggregate classification (germline): Conflicting classifications of pathogenicity. Review status: criteria provided, conflicting classifications (1 of 4 stars). 4 submissions from 4 submitters: Uncertain significance (1); Likely benign (2). 1 of the submissions does not count toward it. Last evaluated 2025-09-16.

Conditions:
CLCN7-related disorder. Also called: CLCN7-related condition.
Osteopetrosis. Identifiers: Orphanet 2781, MedGen C0029454, MONDO:0017198, HP:0011002.

Allele frequency attached by ClinVar (database versions not stated): gnomAD 0.00004 and 0.00005; TOPMed 0.00005; 1000 Genomes Project 30x 0.00016; 1000 Genomes Project 0.00020.

Submissions (4):

Labcorp Genetics (formerly Invitae), Labcorp
Classification: Likely benign. Last evaluated: 2025-09-16. Review status: criteria provided, single submitter. Criteria: Invitae Variant Classification Sherloc (09022015). Collection method: clinical testing. Allele origin: germline.

Blueprint Genetics
Classification: Likely benign. Last evaluated: 2024-10-10. Review status: criteria provided, single submitter. Criteria: ACMG Guidelines, 2015. Collection method: clinical testing. Allele origin: germline.

Illumina Laboratory Services, Illumina
Classification: Uncertain significance for Osteopetrosis. Last evaluated: 2018-01-12. Review status: criteria provided, single submitter. Criteria: ICSL Variant Classification Criteria 13 December 2019. Collection method: clinical testing. Allele origin: germline.

PreventionGenetics, part of Exact Sciences
Classification: Likely benign for CLCN7-related condition. Last evaluated: 2019-03-20. Review status: no assertion criteria provided. Collection method: clinical testing. Allele origin: germline. Not counted in ClinVar's aggregate classification.
Comment: This variant is classified as likely benign based on ACMG/AMP sequence variant interpretation guidelines (Richards et al. 2015 PMID: 25741868, with internal and published modifications).